The following is an entry in ClinVar:

NM_004104.5(FASN):c.5632A>G (p.Lys1878Glu)

Gene: FASN (fatty acid synthase; minus strand). Cytogenetic location: 17q25.3.
Variant type: single nucleotide variant.
Coding change: c.5632A>G on transcript NM_004104.5 (MANE Select); coding-DNA position 5632, A replaced by G.
Protein change: p.Lys1878Glu; replaces lysine 1878 with glutamic acid.
Molecular consequence: missense variant.
Genome position (GRCh38, 1-based): chr17:82,083,049, T>C on the plus strand (A>G on the coding strand, the complement: FASN is on the minus strand). VCF-style: chr17-82083049-T-C. GRCh37 (hg19) VCF-style: chr17-80040925-T-C.
Other names: short protein forms K1878E.
Identifiers: ClinVar variation 951415 (VCV000951415.9), dbSNP rs2034020044, ClinGen allele CA401535842.

ClinVar aggregate classification (germline): Uncertain significance (1 of 4 stars; one submission).

Conditions:
Epileptic encephalopathy. Identifiers: MedGen C0543888, HP:0200134.

Allele frequency attached by ClinVar (database versions not stated): gnomAD exomes below 0.00001.
gnomAD v4.1: 1 of 1,612,626 alleles (0.000062%); no homozygotes.

Submission:

Labcorp Genetics (formerly Invitae), Labcorp
Classification: Uncertain significance for Epileptic encephalopathy. Last evaluated: 2019-07-02. Review status: criteria provided, single submitter. Criteria: Invitae Variant Classification Sherloc (09022015). Collection method: clinical testing. Allele origin: germline.
Comment: This sequence change replaces lysine with glutamic acid at codon 1878 of the FASN protein (p.Lys1878Glu). The lysine residue is weakly conserved and there is a small physicochemical difference between lysine and glutamic acid. This variant is not present in population databases (ExAC no frequency). This variant has not been reported in the literature in individuals with FASN-related conditions. Algorithms developed to predict the effect of missense changes on protein structure and function are either unavailable or do not agree on the potential impact of this missense change (SIFT: "Deleterious"; PolyPhen-2: "Benign"; Align-GVGD: "Class C0"). In summary, the available evidence is currently insufficient to determine the role of this variant in disease. Therefore, it has been classified as a Variant of Uncertain Significance.